The following is an entry in ClinVar:

ClinVar aggregate classification (germline): Uncertain significance. Review status: criteria provided, multiple submitters, no conflicts (2 of 4 stars). 7 submissions from 7 submitters: Uncertain significance (7). Last evaluated 2025-06-18.

Conditions:
Cardiomyopathy (CMYO). Also called: Cardiomyopathies. Identifiers: Orphanet 167848, MedGen C0878544, MONDO:0004994, HP:0001638. Inheritance: Various modes of inheritance.
Cardiovascular phenotype. Identifiers: MedGen CN230736.
Hypertrophic cardiomyopathy 4. Also called: Familial hypertrophic cardiomyopathy 4. Identifiers: MedGen C1861862, MONDO:0007268, OMIM 115197.
Left ventricular noncompaction 10 (LVNC10). Identifiers: Orphanet 154, Orphanet 54260, MedGen C3715165, MONDO:0014163, OMIM 615396.
Hypertrophic cardiomyopathy. Also called: HYPERTROPHIC MYOCARDIOPATHY. Identifiers: Orphanet 217569, MedGen C0007194, MeSH D002312, MONDO:0005045, HP:0001639.

Allele frequency attached by ClinVar (database versions not stated): ExAC below 0.00001; TOPMed 0.00001; gnomAD exomes 0.00002; ESP Exome Variant Server 0.00016.
gnomAD v4.1: 7 of 1,558,688 alleles (0.00045%); highest among the groups gnomAD compares: Non-Finnish European, 0.00061%; no homozygotes.

Submissions (7):

Color Diagnostics, LLC DBA Color Health
Classification: Uncertain significance for Cardiomyopathy. Last evaluated: 2025-06-18. Review status: criteria provided, single submitter. Criteria: ACMG Guidelines, 2015. Collection method: clinical testing. Allele origin: germline.
Comment: This missense variant replaces glutamic acid with aspartic acid at codon 894 of the MYBPC3 protein. Computational prediction suggests that this variant may not impact protein structure and function. To our knowledge, functional studies have not been reported for this variant. This variant has been reported in an individual affected with hypertrophic cardiomyopathy (DOI: 10.25557/2073-7998.2018.11.34-42), in an individual affected with dilated cardiomyopathy (PMID 35470680), and in an individual affected with cardiomyopathy or arrhythmia (PMID: 33954932). This variant has been identified in 3/179814 chromosomes in the general population by the Genome Aggregation Database (gnomAD). The available evidence is insufficient to determine the role of this variant in disease conclusively. Therefore, this variant is classified as a Variant of Uncertain Significance.

Ambry Genetics
Classification: Uncertain significance for Cardiovascular phenotype. Last evaluated: 2025-04-09. Review status: criteria provided, single submitter. Criteria: Ambry Variant Classification Scheme 2023. Collection method: clinical testing. Allele origin: germline.
Comment: The p.E894D variant (also known as c.2682G>T), located in coding exon 26 of the MYBPC3 gene, results from a G to T substitution at nucleotide position 2682. The glutamic acid at codon 894 is replaced by aspartic acid, an amino acid with highly similar properties. This variant was reported in individual(s) with features consistent with hypertrophic and dilated cardiomyopathy (Janin A et al. Mol Diagn Ther, 2021 May;25:373-385; Smith E et al. J Am Heart Assoc, 2022 May;11:e024501). This amino acid position is highly conserved in available vertebrate species. In addition, this alteration is predicted to be tolerated by in silico analysis. Based on the available evidence, the clinical significance of this variant remains unclear.

Blueprint Genetics
Classification: Uncertain significance. Last evaluated: 2024-09-05. Review status: criteria provided, single submitter. Criteria: ACMG Guidelines, 2015. Collection method: clinical testing. Allele origin: germline.

All of Us Research Program, National Institutes of Health
Classification: Uncertain significance for Hypertrophic cardiomyopathy. Last evaluated: 2024-02-05. Review status: criteria provided, single submitter. Criteria: ACMG Guidelines, 2015. Collection method: clinical testing. Allele origin: germline. Inheritance: Autosomal dominant inheritance. Observed: 4 variant alleles, 4 heterozygotes.
Comment: This missense variant replaces glutamic acid with aspartic acid at codon 894 of the MYBPC3 protein. Computational prediction suggests that this variant may not impact protein structure and function (internally defined REVEL score threshold <= 0.5, PMID: 27666373). To our knowledge, functional studies have not been reported for this variant. This variant has been reported in an individual affected with hypertrophic cardiomyopathy (DOI: 10.25557/2073-7998.2018.11.34-42) and in an individual affected with dilated cardiomyopathy (PMID 35470680). This variant has been identified in 3/179814 chromosomes in the general population by the Genome Aggregation Database (gnomAD). The available evidence is insufficient to determine the role of this variant in disease conclusively. Therefore, this variant is classified as a Variant of Uncertain Significance.

This study involves interpretation of variants in research participants for the purpose of population health screening. Participant phenotype was not available at the time of variant classification. Additional details can be found in publication PMID: 35346344, PMCID: PMC8962531

Labcorp Genetics (formerly Invitae), Labcorp
Classification: Uncertain significance for Hypertrophic cardiomyopathy. Last evaluated: 2022-03-18. Review status: criteria provided, single submitter. Criteria: Invitae Variant Classification Sherloc (09022015). Collection method: clinical testing. Allele origin: germline.
Comment: This sequence change replaces glutamic acid, which is acidic and polar, with aspartic acid, which is acidic and polar, at codon 894 of the MYBPC3 protein (p.Glu894Asp). The frequency data for this variant in the population databases is considered unreliable, as metrics indicate poor data quality at this position in the gnomAD database. This variant has not been reported in the literature in individuals affected with MYBPC3-related conditions. ClinVar contains an entry for this variant (Variation ID: 812048). Algorithms developed to predict the effect of missense changes on protein structure and function (SIFT, PolyPhen-2, Align-GVGD) all suggest that this variant is likely to be disruptive. In summary, the available evidence is currently insufficient to determine the role of this variant in disease. Therefore, it has been classified as a Variant of Uncertain Significance.

Fulgent Genetics
Classification: Uncertain significance for Hypertrophic cardiomyopathy 4; Left ventricular noncompaction 10. Last evaluated: 2021-07-01. Review status: criteria provided, single submitter. Criteria: ACMG Guidelines, 2015. Collection method: clinical testing. Allele origin: unknown.

ARUP Laboratories, Molecular Genetics and Genomics, ARUP Laboratories
Classification: Uncertain significance. Last evaluated: 2019-06-11. Review status: criteria provided, single submitter. Criteria: ARUP Molecular Germline Variant Investigation Process. Collection method: clinical testing. Allele origin: germline.
Comment: The MYBPC3 c.2682G>T; p.Glu894Asp variant (rs369289966), to our knowledge, is not reported in the medical literature or gene specific databases. This variant is only observed on three alleles in the Genome Aggregation Database, indicating it is not a common polymorphism. The glutamic acid at codon 894 is highly conserved, but computational analyses (SIFT, PolyPhen-2) predict that this variant is tolerated. Due to limited information, the clinical significance of the p.Glu894Asp variant is uncertain at this time.

Literature cited by the submitters: PubMed 33954932 (cited by Color Diagnostics, LLC DBA Color Health and Ambry Genetics); PubMed 35470680 (cited by Color Diagnostics, LLC DBA Color Health and Ambry Genetics).

NM_000256.3(MYBPC3):c.2682G>T (p.Glu894Asp)

Gene: MYBPC3 (myosin binding protein C3; minus strand). Cytogenetic location: 11p11.2.
Variant type: single nucleotide variant.
Coding change: c.2682G>T on transcript NM_000256.3 (MANE Select); coding-DNA position 2682, G replaced by T.
Protein change: p.Glu894Asp; replaces glutamic acid 894 with aspartic acid.
Molecular consequence: missense variant.
Genome position (GRCh38, 1-based): chr11:47,335,932, C>A on the plus strand (G>T on the coding strand, the complement: MYBPC3 is on the minus strand). VCF-style: chr11-47335932-C-A. GRCh37 (hg19) VCF-style: chr11-47357483-C-A.
Other names: short protein forms E894D.
Identifiers: ClinVar variation 812048 (VCV000812048.24), dbSNP rs369289966, ClinGen allele CA078904.